The following is an entry in ClinVar:

ClinVar aggregate classification (germline): Uncertain significance. Review status: criteria provided, multiple submitters, no conflicts (2 of 4 stars). 2 submissions from 2 submitters: Uncertain significance (2). Last evaluated 2021-04-14.

Conditions:
Distal myopathy with posterior leg and anterior hand involvement. Also called: WILLIAMS DISTAL MYOPATHY. Identifiers: Orphanet 63273, MedGen C3279722, MONDO:0013550, OMIM 614065.
Myofibrillar myopathy 5. Also called: FILAMINOPATHY, AUTOSOMAL DOMINANT; Filaminopathy (type). Identifiers: Orphanet 171445, MedGen C1836050, MONDO:0012289, OMIM 609524.
Hypertrophic cardiomyopathy 26. Also called: Cardiomyopathy, familial hypertrophic, 26. Identifiers: Orphanet 75249, MedGen C4310749, MONDO:0014883, OMIM 617047.
Cardiovascular phenotype. Identifiers: MedGen CN230736.

gnomAD v4.1: 3 of 1,613,970 alleles (0.00019%); highest among the groups gnomAD compares: Admixed American, 0.0017%; no homozygotes.

Submissions (2):

Labcorp Genetics (formerly Invitae), Labcorp
Classification: Uncertain significance for Distal myopathy with posterior leg and anterior hand involvement; Myofibrillar myopathy 5; Hypertrophic cardiomyopathy 26. Last evaluated: 2021-04-14. Review status: criteria provided, single submitter. Criteria: Invitae Variant Classification Sherloc (09022015). Collection method: clinical testing. Allele origin: germline.
Comment: In summary, the available evidence is currently insufficient to determine the role of this variant in disease. Therefore, it has been classified as a Variant of Uncertain Significance. Algorithms developed to predict the effect of missense changes on protein structure and function are either unavailable or do not agree on the potential impact of this missense change (SIFT: "Deleterious"; PolyPhen-2: "Possibly Damaging"; Align-GVGD: "Class C0"). This variant has not been reported in the literature in individuals with FLNC-related conditions. This variant is not present in population databases (ExAC no frequency). This sequence change replaces valine with leucine at codon 368 of the FLNC protein (p.Val368Leu). The valine residue is highly conserved and there is a small physicochemical difference between valine and leucine.

Ambry Genetics
Classification: Uncertain significance for Cardiovascular phenotype. Last evaluated: 2019-10-23. Review status: criteria provided, single submitter. Criteria: Ambry Variant Classification Scheme 2023. Collection method: clinical testing. Allele origin: germline.
Comment: The p.V368L variant (also known as c.1102G>C), located in coding exon 7 of the FLNC gene, results from a G to C substitution at nucleotide position 1102. The valine at codon 368 is replaced by leucine, an amino acid with highly similar properties. This amino acid position is highly conserved in available vertebrate species. In addition, the in silico prediction for this alteration is inconclusive. Since supporting evidence is limited at this time, the clinical significance of this alteration remains unclear.

NM_001458.5(FLNC):c.1102G>C (p.Val368Leu)

Gene: FLNC (filamin C; plus strand). Cytogenetic location: 7q32.1.
Variant type: single nucleotide variant.
Coding change: c.1102G>C on transcript NM_001458.5 (MANE Select); coding-DNA position 1102, G replaced by C.
Protein change: p.Val368Leu; replaces valine 368 with leucine.
Molecular consequence: missense variant.
Genome position (GRCh38, 1-based): chr7:128,838,321, G>C. VCF-style: chr7-128838321-G-C. GRCh37 (hg19) VCF-style: chr7-128478375-G-C.
Other names: c.1102G>C, p.Val368Leu (NM_001127487.2); short protein forms V368L.
Identifiers: ClinVar variation 1397635 (VCV001397635.10), dbSNP rs781718076, ClinGen allele CA369223708.